The following is an entry in ClinVar:

ClinVar aggregate classification (germline): Pathogenic (1 of 4 stars; one submission).

Submission:

Labcorp Genetics (formerly Invitae), Labcorp
Classification: Pathogenic. Last evaluated: 2023-07-17. Review status: criteria provided, single submitter. Criteria: Invitae Variant Classification Sherloc (09022015). Collection method: clinical testing. Allele origin: unknown.
Comment: For these reasons, this variant has been classified as Pathogenic. This variant has not been reported in the literature in individuals affected with HPS1-related conditions. This variant is a gross deletion of the genomic region encompassing exon(s) 1-6 of the HPS1 gene, which includes the initiator codon. This deletion extends beyond the assayed region for this gene and therefore may encompass additional genes. It is expected to result in an absent or disrupted protein product. Loss-of-function variants in HPS1 are known to be pathogenic (PMID: 12442288, 16185271).

Literature cited by the submitters: PubMed 12442288; PubMed 16185271.

NC_000010.10:g.(?_100193720)_(100219516_?)del

Genes: HPS1 (HPS1 biogenesis of lysosomal organelles complex 3 subunit 1; minus strand), HPSE2 (heparanase 2 (inactive); minus strand). Cytogenetic location: 10q24.2.
Variant type: Deletion.
Identifiers: ClinVar variation 3244933 (VCV003244933.1).